The following is an entry in ClinVar:

ClinVar aggregate classification (germline): Pathogenic (1 of 4 stars; one submission).

Conditions:
Hereditary spastic paraplegia 11. Also called: Spastic paraplegia, mental retardation and thin corpus callosum; SPASTIC PARAPLEGIA, AUTOSOMAL RECESSIVE, COMPLICATED, WITH THIN CORPUS CALLOSUM; SPASTIC PARAPLEGIA, AUTOSOMAL RECESSIVE, WITH MENTAL IMPAIRMENT AND THIN CORPUS CALLOSUM; Nakamura Osame syndrome; Autosomal recessive hereditary spastic paraplegia, mental impairment, and thin corpus callosum; Spastic Paraplegia 11. Identifiers: Orphanet 2822, MedGen C1858479, MONDO:0011445, OMIM 604360.

Submission:

Labcorp Genetics (formerly Invitae), Labcorp
Classification: Pathogenic for Hereditary spastic paraplegia 11. Last evaluated: 2021-01-21. Review status: criteria provided, single submitter. Criteria: Invitae Variant Classification Sherloc (09022015). Collection method: clinical testing. Allele origin: germline.
Comment: This sequence change creates a premature translational stop signal (p.Lys779Ilefs*11) in the SPG11 gene. It is expected to result in an absent or disrupted protein product. Loss-of-function variants in SPG11 are known to be pathogenic (PMID: 19105190, 20110243, 22154821). This variant is not present in population databases (ExAC no frequency). This variant has not been reported in the literature in individuals with SPG11-related conditions. For these reasons, this variant has been classified as Pathogenic.

Literature cited by the submitters: PubMed 19105190; PubMed 20110243; PubMed 22154821.

NM_025137.4(SPG11):c.2336_2339del (p.Lys779fs)

Gene: SPG11 (SPG11 vesicle trafficking associated, spatacsin; minus strand). Cytogenetic location: 15q21.1.
Variant type: Deletion.
Coding change: c.2336_2339del on transcript NM_025137.4 (MANE Select); coding-DNA positions 2336 to 2339, 4 bases deleted (AAAA; older notation c.2336_2339delAAAA).
Protein change: p.Lys779fs; shifts the reading frame from lysine 779.
Molecular consequence: frameshift variant.
Genome position (GRCh38, 1-based): chr15:44,622,325-44,622,328, TTTT deleted on the plus strand (AAAA on the coding strand, the reverse complement: SPG11 is on the minus strand); deleting any 4 consecutive bases within chr15:44,622,325-44,622,331 gives the same sequence; the c. name uses the placement nearest the transcript's 3' end. VCF-style (leftmost placement, unchanged base first): chr15-44622324-ATTTT-A. GRCh37 (hg19) VCF-style: chr15-44914522-ATTTT-A.
Other names: c.2336_2339del, p.Lys779fs (NM_001160227.2); short protein forms K779fs.
Identifiers: ClinVar variation 1379790 (VCV001379790.6), dbSNP rs1454768655, ClinGen allele CA2573150876.
Genomic context (GRCh38, chr15:44,622,324, plus strand): 5'-ATAAAGCTTCTCAACTTGATGCACGAAGTCTATAGTTCTTTTCTCTTTTTCAGAAAAATA[ATTTT>A]TTTCTTTTAAAATTTCAACCTTGAATAAAAAGTAATTAAAGCAGTGACTTTACAAAAAAT-3'